The following is an entry in ClinVar:

ClinVar aggregate classification (germline): Pathogenic (0 of 4 stars; one submission).

Conditions:
Fanconi anemia complementation group A (FANCA). Also called: Fanconi anemia, group A; FANCA-Related Fanconi Anemia. Identifiers: Orphanet 84, MedGen C3469521, MONDO:0009215, OMIM 227650.

Submission:

Leiden Open Variation Database
Classification: Pathogenic for Fanconi anemia complementation group A. Last evaluated: 2020-02-28. Review status: no assertion criteria provided. Collection method: curation. Allele origin: germline. Affected: yes.
Comment: Curator: Arleen D. Auerbach. Submitter to LOVD: Arleen D. Auerbach.

Literature cited by the submitters: PubMed 11344308.

NM_000135.4(FANCA):c.795_808del (p.Thr266fs)

Gene: FANCA (FA complementation group A; minus strand). Cytogenetic location: 16q24.3.
Variant type: Deletion.
Coding change: c.795_808del on transcript NM_000135.4 (MANE Select); coding-DNA positions 795 to 808, 14 bases deleted (CACGGTTGATGTAC).
Protein change: p.Thr266fs; shifts the reading frame from threonine 266.
Molecular consequence: frameshift variant.
Genome position (GRCh38, 1-based): chr16:89,799,623-89,799,636, GTACATCAACCGTG deleted on the plus strand (CACGGTTGATGTAC on the coding strand, the reverse complement: FANCA is on the minus strand). VCF-style (leftmost placement, unchanged base first): chr16-89799622-AGTACATCAACCGTG-A. GRCh37 (hg19) VCF-style: chr16-89866030-AGTACATCAACCGTG-A.
Other names: c.795_808del, p.Thr266fs (NM_001018112.3, NM_001286167.3); c.699_712del, p.Thr234fs (NM_001351830.2); short protein forms T234fs, T266fs.
Identifiers: ClinVar variation 974105 (VCV000974105.1), dbSNP rs2040370883, ClinGen allele CA1139664975.